The following is an entry in ClinVar:

NM_001127649.3(PEX26):c.236T>C (p.Leu79Ser)

Gene: PEX26 (peroxisomal biogenesis factor 26; plus strand). Cytogenetic location: 22q11.21.
Variant type: single nucleotide variant.
Coding change: c.236T>C on transcript NM_001127649.3 (MANE Select); coding-DNA position 236, T replaced by C.
Protein change: p.Leu79Ser; replaces leucine 79 with serine.
Molecular consequence: missense variant.
Genome position (GRCh38, 1-based): chr22:18,079,879, T>C. VCF-style: chr22-18079879-T-C. GRCh37 (hg19) VCF-style: chr22-18562645-T-C.
Other names: c.236T>C, p.Leu79Ser (NM_001199319.2, NM_017929.6); short protein forms L79S.
Identifiers: ClinVar variation 2121631 (VCV002121631.2), dbSNP rs2517665974, ClinGen allele CA410265566.

ClinVar aggregate classification (germline): Uncertain significance (1 of 4 stars; one submission).

Conditions:
Peroxisome biogenesis disorder 7A (Zellweger). Also called: Peroxisome biogenesis disorder 7A. Identifiers: Orphanet 912, MedGen C3888385, MONDO:0013938, OMIM 614872.
Peroxisome biogenesis disorder 7B (PBD7B). Identifiers: Orphanet 44, MedGen C3553951, MONDO:0013939, OMIM 614873.

Allele frequency attached by ClinVar (database versions not stated): gnomAD exomes below 0.00001.

Submission:

Labcorp Genetics (formerly Invitae), Labcorp
Classification: Uncertain significance for Peroxisome biogenesis disorder 7A (Zellweger); Peroxisome biogenesis disorder 7B. Last evaluated: 2025-09-02. Review status: criteria provided, single submitter. Criteria: Invitae Variant Classification Sherloc (09022015). Collection method: clinical testing. Allele origin: germline.
Comment: This sequence change replaces leucine, which is neutral and non-polar, with serine, which is neutral and polar, at codon 79 of the PEX26 protein (p.Leu79Ser). This variant is not present in population databases (gnomAD no frequency). This variant has not been reported in the literature in individuals affected with PEX26-related conditions. ClinVar contains an entry for this variant (Variation ID: 2121631). Invitae Evidence Modeling of protein sequence and biophysical properties (such as structural, functional, and spatial information, amino acid conservation, physicochemical variation, residue mobility, and thermodynamic stability) indicates that this missense variant is not expected to disrupt PEX26 protein function with a negative predictive value of 95%. In summary, the available evidence is currently insufficient to determine the role of this variant in disease. Therefore, it has been classified as a Variant of Uncertain Significance.